The following is an entry in ClinVar:

ClinVar aggregate classification (germline): Conflicting classifications of pathogenicity. Review status: criteria provided, conflicting classifications (1 of 4 stars). 3 submissions from 3 submitters: Uncertain significance (1); Likely benign (2). Last evaluated 2026-02-03.

Conditions:
Cardiovascular phenotype. Identifiers: MedGen CN230736.
Duchenne muscular dystrophy (DMD). Also called: MUSCULAR DYSTROPHY, PSEUDOHYPERTROPHIC PROGRESSIVE, DUCHENNE TYPE; Duchenne Muscular Dystrophy (DMD). Identifiers: Orphanet 98896, MedGen C0013264, MONDO:0010679, OMIM 310200.

Allele frequency attached by ClinVar (database versions not stated): ExAC 0.00001; gnomAD 0.00001; gnomAD exomes 0.00001 and 0.00004; TOPMed 0.00002.
gnomAD v4.1: 12 of 1,207,303 alleles (0.00099%); highest among the groups gnomAD compares: Admixed American, 0.015%; no homozygotes.

Submissions (3):

Ambry Genetics
Classification: Likely benign for Cardiovascular phenotype. Last evaluated: 2026-02-03. Review status: criteria provided, single submitter. Criteria: Ambry Variant Classification Scheme 2023. Collection method: clinical testing. Allele origin: germline.

Labcorp Genetics (formerly Invitae), Labcorp
Classification: Likely benign for Duchenne muscular dystrophy. Last evaluated: 2026-01-15. Review status: criteria provided, single submitter. Criteria: Invitae Variant Classification Sherloc (09022015). Collection method: clinical testing. Allele origin: germline.

GeneDx
Classification: Uncertain significance. Last evaluated: 2017-05-09. Review status: criteria provided, single submitter. Criteria: GeneDx Variant Classification (06012015). Collection method: clinical testing. Allele origin: germline. Affected: yes.
Comment: Although the N1283S variant of uncertain significance in the DMD gene has not been published in association with a DMD-related disorder, it has been reported (as N1160S due to alternate nomenclature) in an individual with autism spectrum disorder who harbored another variant in the DMD gene and a variant in the SHANK3 gene (Koshimizu et al., 2013). The N1283S variant is not observed at a significant frequency in large population cohorts (Lek et al., 2016; 1000 Genomes Consortium et al., 2015; Exome Variant Server). Nevertheless, the N1283S variant is a conservative amino acid substitution, which is not likely to impact secondary protein structure as these residues share similar properties. Additionally, this substitution occurs at a position that is not conserved, as serine is tolerated at this position in at least two species. Moreover, in silico analysis predicts this variant likely does not alter the protein structure/function.

NM_004006.3(DMD):c.3848A>G (p.Asn1283Ser)

Gene: DMD (dystrophin; minus strand). Cytogenetic location: Xp21.1.
Variant type: single nucleotide variant.
Coding change: c.3848A>G on transcript NM_004006.3 (MANE Select); coding-DNA position 3848, A replaced by G.
Protein change: p.Asn1283Ser; replaces asparagine 1283 with serine.
Molecular consequence: missense variant.
Genome position (GRCh38, 1-based): chrX:32,441,253, T>C on the plus strand (A>G on the coding strand, the complement: DMD is on the minus strand). VCF-style: chrX-32441253-T-C. GRCh37 (hg19) VCF-style: chrX-32459370-T-C.
Other names: c.3824A>G, p.Asn1275Ser (NM_000109.4); c.3836A>G, p.Asn1279Ser (NM_004009.3); c.3479A>G, p.Asn1160Ser (NM_004010.3); short protein forms N1283S, N1160S, N1279S, N1275S.
Identifiers: ClinVar variation 429460 (VCV000429460.16), dbSNP rs778145106, ClinGen allele CA10379178.